The following is an entry in ClinVar:

ClinVar aggregate classification (germline): Uncertain significance (1 of 4 stars; one submission).

Conditions:
Catecholaminergic polymorphic ventricular tachycardia (CVPT). Also called: Catecholamine-induced polymorphic ventricular tachycardia. Identifiers: Orphanet 3286, MedGen C5574922, MONDO:0017990.

gnomAD v4.1: 2 of 1,606,550 alleles (0.00012%); highest among the groups gnomAD compares: Non-Finnish European, 0.00017%; no homozygotes.

Submission:

All of Us Research Program, National Institutes of Health
Classification: Uncertain significance for Catecholaminergic polymorphic ventricular tachycardia. Last evaluated: 2024-07-29. Review status: criteria provided, single submitter. Criteria: ACMG Guidelines, 2015. Collection method: clinical testing. Allele origin: germline. Inheritance: Autosomal dominant inheritance. Observed: 1 variant allele, 1 heterozygote.
Comment: This missense variant replaces alanine with threonine at codon 435 of the RYR2 protein. Computational prediction suggests that this variant may not impact protein structure and function (internally defined REVEL score threshold <= 0.5, PMID: 27666373). To our knowledge, functional studies have not been reported for this variant. This variant has not been reported in individuals affected with RYR2-related disorders in the literature. This variant has not been identified in the general population by the Genome Aggregation Database (gnomAD). The available evidence is insufficient to determine the role of this variant in disease conclusively. Therefore, this variant is classified as a Variant of Uncertain Significance.

This study involves interpretation of variants in research participants for the purpose of population health screening. Participant phenotype was not available at the time of variant classification. Additional details can be found in publication PMID: 35346344, PMCID: PMC8962531

NM_001035.3(RYR2):c.1303G>A (p.Ala435Thr)

Gene: RYR2 (ryanodine receptor 2; plus strand). Cytogenetic location: 1q43.
Variant type: single nucleotide variant.
Coding change: c.1303G>A on transcript NM_001035.3 (MANE Select); coding-DNA position 1303, G replaced by A.
Protein change: p.Ala435Thr; replaces alanine 435 with threonine.
Molecular consequence: missense variant.
Genome position (GRCh38, 1-based): chr1:237,454,401, G>A. VCF-style: chr1-237454401-G-A. GRCh37 (hg19) VCF-style: chr1-237617701-G-A.
Other names: short protein forms A435T.
Identifiers: ClinVar variation 3385670 (VCV003385670.1).